The following is an entry in ClinVar:

ClinVar aggregate classification (germline): Uncertain significance (1 of 4 stars; one submission).

Conditions:
AP1G1-related disorder. Also called: AP1G1-related condition.

Submission:

PreventionGenetics, part of Exact Sciences
Classification: Uncertain significance for AP1G1-related condition. Last evaluated: 2024-10-04. Review status: criteria provided, single submitter. Criteria: ACMG Guidelines, 2015. Collection method: clinical testing. Allele origin: germline.
Comment: The AP1G1 c.2286G>A variant is not predicted to result in an amino acid change (p.=). This variant is predicted to alter splicing based on available splicing prediction programs (SpliceAI, Jaganathan et al. 2019. PubMed ID: 30661751). However, the use of computer prediction programs is not equivalent to functional evidence. To our knowledge, this variant has not been reported in the literature or in a large population database (gnomAD), indicating this variant is rare. At this time, the clinical significance of this variant is uncertain due to the absence of conclusive functional and genetic evidence.

NM_001128.6(AP1G1):c.2277G>A (p.Gln759=)

Gene: AP1G1 (adaptor related protein complex 1 subunit gamma 1; minus strand). Cytogenetic location: 16q22.2.
Variant type: single nucleotide variant.
Coding change: c.2277G>A on transcript NM_001128.6 (MANE Select); coding-DNA position 2277, G replaced by A.
Protein change: p.Gln759=; no amino-acid change (glutamine 759 retained).
Molecular consequence: synonymous variant.
Genome position (GRCh38, 1-based): chr16:71,734,699, C>T on the plus strand (G>A on the coding strand, the complement: AP1G1 is on the minus strand). VCF-style: chr16-71734699-C-T. GRCh37 (hg19) VCF-style: chr16-71768602-C-T.
Other names: c.2286G>A, p.Gln762= (NM_001030007.2).
Identifiers: ClinVar variation 5002574 (VCV005002574.1).